The following is an entry in ClinVar:

ClinVar aggregate classification (germline): Uncertain significance. Review status: criteria provided, multiple submitters, no conflicts (2 of 4 stars). 4 submissions from 4 submitters: Uncertain significance (3). 1 of the submissions does not count toward it. Last evaluated 2025-01-08.

Conditions:
SDCCAG8-related disorder. Also called: SDCCAG8-Related Disorders; SDCCAG8-related condition.
Inborn genetic diseases. Identifiers: MedGen C0950123, MeSH D030342.
Senior-Loken syndrome 7 (SLSN7). Identifiers: Orphanet 3156, MedGen C3150877, MONDO:0013326, OMIM 613615.
Bardet-Biedl syndrome 16 (BBS16). Identifiers: Orphanet 110, MedGen C3889474, MONDO:0014444, OMIM 615993.

gnomAD v4.1: 32 of 1,612,414 alleles (0.002%); highest among the groups gnomAD compares: Admixed American, 0.0083%; no homozygotes.

Submissions (4):

Ambry Genetics
Classification: Uncertain significance for Inborn genetic diseases. Last evaluated: 2025-01-08. Review status: criteria provided, single submitter. Criteria: Ambry Variant Classification Scheme 2023. Collection method: clinical testing. Allele origin: germline.

Labcorp Genetics (formerly Invitae), Labcorp
Classification: Uncertain significance for Bardet-Biedl syndrome 16; Senior-Loken syndrome 7. Last evaluated: 2024-10-15. Review status: criteria provided, single submitter. Criteria: Invitae Variant Classification Sherloc (09022015). Collection method: clinical testing. Allele origin: germline.
Comment: This sequence change replaces arginine, which is basic and polar, with tryptophan, which is neutral and slightly polar, at codon 700 of the SDCCAG8 protein (p.Arg700Trp). This variant is present in population databases (rs369591883, gnomAD 0.01%). This variant has not been reported in the literature in individuals affected with SDCCAG8-related conditions. ClinVar contains an entry for this variant (Variation ID: 1056755). An algorithm developed to predict the effect of missense changes on protein structure and function (PolyPhen-2) suggests that this variant is likely to be disruptive. In summary, the available evidence is currently insufficient to determine the role of this variant in disease. Therefore, it has been classified as a Variant of Uncertain Significance.

Fulgent Genetics
Classification: Uncertain significance for Senior-Loken syndrome 7; Bardet-Biedl syndrome 16. Last evaluated: 2024-02-19. Review status: criteria provided, single submitter. Criteria: ACMG Guidelines, 2015. Collection method: clinical testing. Allele origin: germline.

PreventionGenetics, part of Exact Sciences
Classification: Uncertain significance for SDCCAG8-related condition. Last evaluated: 2023-12-12. Review status: no assertion criteria provided. Collection method: clinical testing. Allele origin: germline. Not counted in ClinVar's aggregate classification.
Comment: The SDCCAG8 c.2098C>T variant is predicted to result in the amino acid substitution p.Arg700Trp. To our knowledge, this variant has not been reported in the literature. This variant is reported in 0.014% of alleles in individuals of Latino descent in gnomAD. At this time, the clinical significance of this variant is uncertain due to the absence of conclusive functional and genetic evidence.

NM_006642.5(SDCCAG8):c.2098C>T (p.Arg700Trp)

Genes: AKT3 (AKT serine/threonine kinase 3; minus strand), SDCCAG8 (SHH signaling and ciliogenesis regulator SDCCAG8; plus strand). Cytogenetic location: 1q43.
Variant type: single nucleotide variant.
Coding change: c.2098C>T on transcript NM_006642.5 (MANE Select); coding-DNA position 2098, C replaced by T.
Protein change: p.Arg700Trp; replaces arginine 700 with tryptophan.
Molecular consequence: missense variant. On other transcripts: intron variant (1).
Genome position (GRCh38, 1-based): chr1:243,489,126, C>T. VCF-style: chr1-243489126-C-T. GRCh37 (hg19) VCF-style: chr1-243652428-C-T.
Other names: c.2098C>T (NM_006642.3); c.1195C>T, p.Arg399Trp (NM_001350246.2, NM_001350247.2, NM_001350251.2); c.2194C>T, p.Arg732Trp (NM_001350248.2); c.1804C>T, p.Arg602Trp (NM_001350249.2); c.*7-676G>A (NM_181690.2); short protein forms R399W, R602W, R700W, R732W.
Identifiers: ClinVar variation 1056755 (VCV001056755.14), dbSNP rs369591883, ClinGen allele CA1483830.